The following is an entry in ClinVar:

ClinVar aggregate classification (germline): Likely pathogenic (1 of 4 stars; one submission).

Conditions:
Leukoencephalopathy-thalamus and brainstem anomalies-high lactate syndrome. Also called: LEUKOENCEPHALOPATHY WITH THALAMUS AND BRAINSTEM INVOLVEMENT AND HIGH LACTATE; Combined oxidative phosphorylation deficiency 12. Identifiers: Orphanet 314051, MedGen C4706421, MONDO:0013971, OMIM 614924.

Submission:

Juno Genomics, Hangzhou Juno Genomics, Inc
Classification: Likely pathogenic for Leukoencephalopathy-thalamus and brainstem anomalies-high lactate syndrome. Review status: criteria provided, single submitter. Criteria: ACMG Guidelines, 2015. Collection method: clinical testing. Allele origin: germline.
Comment: Null variant in a gene where loss of function (LOF) is a known mechanism of disease.;Absent from controls (or at extremely low frequency if recessive) in Genome Aggregation Database.

NM_001083614.2(EARS2):c.1219_1222-4del (p.Gln407_Gly408=)

Gene: EARS2 (glutamyl-tRNA synthetase 2, mitochondrial; minus strand). Cytogenetic location: 16p12.2.
Variant type: Deletion.
Coding change: c.1219_1222-4del on transcript NM_001083614.2 (MANE Select); coding-DNA position 1219 through 4 bases into the intron before coding-DNA position 1222, 111 bases deleted.
Protein change: p.Gln407_Gly408=.
Molecular consequence: splice acceptor variant, splice donor variant, no sequence alteration. On other transcripts: non-coding transcript variant (1).
Genome position (GRCh38, 1-based): chr16:23,529,632-23,529,742, 111 bases deleted. GRCh37 (hg19): chr16:23,540,957-23,541,067.
Other names: c.1219_1222-4del, p.Gln407_Gly408= (NM_001308211.1); c.1221+2_1222del (NM_001083614.2).
Identifiers: ClinVar variation 5005556 (VCV005005556.2).